The following is an entry in ClinVar:

NM_007217.4(PDCD10):c.58A>G (p.Met20Val)

Gene: PDCD10 (programmed cell death 10; minus strand). Cytogenetic location: 3q26.1.
Variant type: single nucleotide variant.
Coding change: c.58A>G on transcript NM_007217.4 (MANE Select); coding-DNA position 58, A replaced by G.
Protein change: p.Met20Val; replaces methionine 20 with valine.
Molecular consequence: missense variant.
Genome position (GRCh38, 1-based): chr3:167,720,100, T>C on the plus strand (A>G on the coding strand, the complement: PDCD10 is on the minus strand). VCF-style: chr3-167720100-T-C. GRCh37 (hg19) VCF-style: chr3-167437888-T-C.
Other names: c.58A>G, p.Met20Val (NM_145859.2, NM_145860.2); short protein forms M20V.
Identifiers: ClinVar variation 2734584 (VCV002734584.4), dbSNP rs138275885, ClinGen allele CA2694683.

ClinVar aggregate classification (germline): Uncertain significance. Review status: criteria provided, multiple submitters, no conflicts (2 of 4 stars). 2 submissions from 2 submitters: Uncertain significance (2). Last evaluated 2023-05-23.

Conditions:
Cerebral cavernous malformation 3. Also called: Familial Cerebral Cavernous Malformation 3. Identifiers: Orphanet 221061, MedGen C1864040, MONDO:0011305, OMIM 603285.

Allele frequency attached by ClinVar (database versions not stated): gnomAD 0.00001; ExAC 0.00002; gnomAD exomes 0.00002; TOPMed 0.00002; ESP Exome Variant Server 0.00008.
gnomAD v4.1: 35 of 1,612,306 alleles (0.0022%); highest among the groups gnomAD compares: Non-Finnish European, 0.0026%; no homozygotes.

Submissions (2):

Labcorp Genetics (formerly Invitae), Labcorp
Classification: Uncertain significance for Cerebral cavernous malformation 3. Last evaluated: 2023-05-23. Review status: criteria provided, single submitter. Criteria: Invitae Variant Classification Sherloc (09022015). Collection method: clinical testing. Allele origin: germline.
Comment: In summary, the available evidence is currently insufficient to determine the role of this variant in disease. Therefore, it has been classified as a Variant of Uncertain Significance. An algorithm developed to predict the effect of missense changes on protein structure and function (PolyPhen-2) suggests that this variant is likely to be tolerated. This missense change has been observed in individual(s) with cerebral cavernous malformation (PMID: 23595507). This variant is present in population databases (rs138275885, gnomAD 0.003%). This sequence change replaces methionine, which is neutral and non-polar, with valine, which is neutral and non-polar, at codon 20 of the PDCD10 protein (p.Met20Val).

Blueprint Genetics
Classification: Uncertain significance. Last evaluated: 2022-10-24. Review status: criteria provided, single submitter. Criteria: ACMG Guidelines, 2015. Collection method: clinical testing. Allele origin: germline.

Literature cited by the submitters: PubMed 23595507 (cited by Labcorp Genetics (formerly Invitae), Labcorp).